The following is an entry in ClinVar:

ClinVar aggregate classification (germline): Conflicting classifications of pathogenicity. Review status: criteria provided, conflicting classifications (1 of 4 stars). 4 submissions from 4 submitters: Uncertain significance (1); Likely benign (2). 1 of the submissions does not count toward it. Last evaluated 2026-06-01.

Conditions:
Pierson syndrome. Also called: MICROCORIA-CONGENITAL NEPHROTIC SYNDROME. Identifiers: Orphanet 2670, MedGen C1836876, MONDO:0012184, OMIM 609049.
LAMB2-related infantile-onset nephrotic syndrome. Also called: NEPHROTIC SYNDROME, TYPE 5, WITHOUT OCULAR ABNORMALITIES; NEPHROTIC SYNDROME, TYPE 5, WITH OCULAR ABNORMALITIES; Nephrotic Syndrome, type 5. Identifiers: Orphanet 306507, MedGen C3280113, MONDO:0013621, OMIM 614199.
LAMB2-related disorder. Also called: LAMB2-related condition.
Kidney disorder. Also called: renal disorder; Nephropathy; Kidney Diseases; Kidney disease; renal disease. Identifiers: MedGen C0022658, MONDO:0005240, HP:0000112.

Allele frequency attached by ClinVar (database versions not stated): gnomAD 0.00004 and 0.00010; ESP Exome Variant Server 0.00008; 1000 Genomes Project 30x 0.00016; gnomAD exomes 0.00017 and 0.00027; 1000 Genomes Project 0.00020; ExAC 0.00027.
gnomAD v4.1: 261 of 1,613,464 alleles (0.016%); highest among the groups gnomAD compares: South Asian, 0.22%; 1 homozygote.

Submissions (4):

CeGaT Center for Human Genetics Tuebingen
Classification: Likely benign. Last evaluated: 2026-06-01. Review status: criteria provided, single submitter. Criteria: CeGaT Center For Human Genetics Tuebingen Variant Classification Criteria Version 2. Collection method: clinical testing. Allele origin: germline. Affected: yes. Observed: 1 variant allele.
Comment: LAMB2: BP4

Labcorp Genetics (formerly Invitae), Labcorp
Classification: Likely benign for LAMB2-related infantile-onset nephrotic syndrome; Pierson syndrome. Last evaluated: 2024-05-01. Review status: criteria provided, single submitter. Criteria: Invitae Variant Classification Sherloc (09022015). Collection method: clinical testing. Allele origin: germline.

Genome Diagnostics Laboratory, The Hospital for Sick Children
Classification: Uncertain significance for Kidney disorder. Last evaluated: 2018-07-01. Review status: criteria provided, single submitter. Criteria: ACMG Guidelines, 2015. Collection method: clinical testing. Allele origin: germline.

PreventionGenetics, part of Exact Sciences
Classification: Likely benign for LAMB2-related condition. Last evaluated: 2019-10-31. Review status: no assertion criteria provided. Collection method: clinical testing. Allele origin: germline. Not counted in ClinVar's aggregate classification.
Comment: This variant is classified as likely benign based on ACMG/AMP sequence variant interpretation guidelines (Richards et al. 2015 PMID: 25741868, with internal and published modifications).

NM_002292.4(LAMB2):c.3797+4C>T

Gene: LAMB2 (laminin subunit beta 2; minus strand). Cytogenetic location: 3p21.31.
Variant type: single nucleotide variant.
Coding change: c.3797+4C>T on transcript NM_002292.4 (MANE Select); 4 bases into the intron after coding-DNA position 3797, C replaced by T.
Molecular consequence: intron variant.
Genome position (GRCh38, 1-based): chr3:49,123,724, G>A on the plus strand (C>T on the coding strand, the complement: LAMB2 is on the minus strand). VCF-style: chr3-49123724-G-A. GRCh37 (hg19) VCF-style: chr3-49161157-G-A.
Identifiers: ClinVar variation 1145698 (VCV001145698.12), dbSNP rs368346725, ClinGen allele CA2393961.